The following is an entry in ClinVar:

GRCh38/hg38 13q14.11(chr13:41074134-41090164)x0

Gene: WBP4 (WW domain binding protein 4; plus strand). Cytogenetic location: 13q14.11.
Variant type: copy number loss.
Change: copy number 0 (both copies lost) of chr13:41,074,134-41,090,164 (16.0 kb, GRCh38 coordinates, 1-based), cytogenetic band 13q14.11.
Identifiers: ClinVar variation 3571450 (VCV003571450.1).

ClinVar aggregate classification (germline): Uncertain significance (1 of 4 stars; one submission).

Conditions:
Neurodevelopmental disorder with hypotonia, feeding difficulties, facial dysmorphism, and brain abnormalities. Identifiers: MedGen C5935629, MONDO:0971043, OMIM 620852.

Submission:

Broad Center for Mendelian Genomics, Broad Institute of MIT and Harvard
Classification: Uncertain significance for Neurodevelopmental disorder with hypotonia, feeding difficulties, facial dysmorphism, and brain abnormalities. Last evaluated: 2024-12-12. Review status: criteria provided, single submitter. Criteria: ACMG/ClinGen CNV Guidelines, 2019. Collection method: research. Allele origin: biparental. Inheritance: Autosomal recessive inheritance. Affected: yes. Study: GREGoR Consortium.
Comment: A homozygous deletion of exons 8-10 in WBP4 (NM_007187.5) was identified by genome sequencing in one individual with neurodevelopemental disorder with hypotonia, feeding difficulties, facial dysmorphism, and brain abnormalities ([GRCh 38] chr13:41074134_41090164x0; PMID: 37963460). The patient phenotype is nonspecific, but is consistent with cases described in the literature. This variant has also been reported in ClinVar (Variation ID: 2500811) and has been interpreted as likely pathogenic by Hadassah Hebrew University Medical Center. There is overlap with the 3’ end of the WBP4 gene including coding sequence. This alteration is then predicted to lead to a truncated or absent protein. While there is some evidence to suggest that loss of function of the WBP4 gene is a disease mechanism in autosomal recessive neurodevelopemental disorder with hypotonia, feeding difficulties, facial dysmorphism, and brain abnormalities, this association is not yet strongly established based on the criteria laid out in Tayoun, 2018 (PMID: 30192042). One overlapping deletion of similar genetic content to this variant have been identified in 5/59086 (0.008%) of European (non-Finnish) chromosomes by the Genome Aggregation Database (gnomAD; Structural variant: DEL_CHR13_9C0CCF34). Although deletions overlapping the region of this CNV have been seen in the general population in a heterozygous state, its frequency is not high enough to rule out a pathogenic role. In summary, while there is some suspicion for a pathogenic role, the clinical significance of this variant is uncertain. The ACMG/ClinGen evidence codes and points used in this curation are as follows: 1: 0 points, 2: 0.3 points, 3: 0 points, 4-5: 0.15 points; Total: 0.45 point; Riggs 2020 (PMID: 31690835).

Literature cited by the submitters: PubMed 37963460.